The following is an entry in ClinVar:

NM_001130438.3(SPTAN1):c.930G>A (p.Lys310=)

Gene: SPTAN1 (spectrin alpha, non-erythrocytic 1; plus strand). Cytogenetic location: 9q34.11.
Variant type: single nucleotide variant.
Coding change: c.930G>A on transcript NM_001130438.3 (MANE Select); coding-DNA position 930, G replaced by A.
Protein change: p.Lys310=; no amino-acid change (lysine 310 retained).
Molecular consequence: synonymous variant.
Genome position (GRCh38, 1-based): chr9:128,577,273, G>A. VCF-style: chr9-128577273-G-A. GRCh37 (hg19) VCF-style: chr9-131339552-G-A.
Other names: c.930G>A, p.Lys310= (NM_001195532.2, NM_001363759.2, NM_001363765.2 and 5 more transcripts); c.966G>A, p.Lys322= (NM_001375312.2, NM_001375318.1).
Identifiers: ClinVar variation 1005904 (VCV001005904.5), dbSNP rs1851412252, ClinGen allele CA467484194.
Genomic context (GRCh38, chr9:128,577,273, plus strand): 5'-TCAGGCTCTGCTTCGGAAGCACGAGGGTCTGGAGAGAGATCTTGCTGCTCTAGAAGACAA[G>A]GTGGGTTTTACAAGCAGCTGATTCTGTAAATAAGTTACCAAGGGTCAGGAGAATAGTTCT-3'
Protein context (NP_001123910.1, residues 300-320): LERDLAALED[Lys310=]VKALCAEADR

ClinVar aggregate classification (germline): Uncertain significance (1 of 4 stars; one submission).

Conditions:
Early-infantile DEE. Also called: Ohtahara syndrome; Early infantile epileptic encephalopathy with suppression bursts; Early infantile epileptic encephalopathy. Identifiers: Orphanet 1934, MedGen C0393706, MONDO:0800491.

Allele frequency attached by ClinVar (database versions not stated): gnomAD exomes below 0.00001.
gnomAD v4.1: 1 of 1,614,216 alleles (0.000062%); highest among the groups gnomAD compares: Non-Finnish European, 0.000085%; no homozygotes.

Submission:

Labcorp Genetics (formerly Invitae), Labcorp
Classification: Uncertain significance for Early-infantile DEE. Last evaluated: 2024-07-06. Review status: criteria provided, single submitter. Criteria: Invitae Variant Classification Sherloc (09022015). Collection method: clinical testing. Allele origin: germline.
Comment: This sequence change affects codon 310 of the SPTAN1 mRNA. It is a 'silent' change, meaning that it does not change the encoded amino acid sequence of the SPTAN1 protein. This variant also falls at the last nucleotide of exon 7, which is part of the consensus splice site for this exon. This variant is not present in population databases (gnomAD no frequency). This variant has not been reported in the literature in individuals affected with SPTAN1-related conditions. ClinVar contains an entry for this variant (Variation ID: 1005904). Variants that disrupt the consensus splice site are a relatively common cause of aberrant splicing (PMID: 17576681, 9536098). Algorithms developed to predict the effect of sequence changes on RNA splicing suggest that this variant may disrupt the consensus splice site. In summary, the available evidence is currently insufficient to determine the role of this variant in disease. Therefore, it has been classified as a Variant of Uncertain Significance.

Literature cited by the submitters: PubMed 17576681; PubMed 9536098.